The following is an entry in ClinVar:

NM_007186.6(CEP250):c.599+3C>A

Gene: CEP250 (centrosomal protein 250; plus strand). Cytogenetic location: 20q11.22.
Variant type: single nucleotide variant.
Coding change: c.599+3C>A on transcript NM_007186.6 (MANE Select); 3 bases into the intron after coding-DNA position 599, C replaced by A.
Molecular consequence: intron variant.
Genome position (GRCh38, 1-based): chr20:35,467,075, C>A. VCF-style: chr20-35467075-C-A. GRCh37 (hg19) VCF-style: chr20-34054900-C-A.
Other names: c.-1301+3C>A (NM_001318219.1).
Identifiers: ClinVar variation 1348137 (VCV001348137.6), dbSNP rs2146717827, ClinGen allele CA2573157061.

ClinVar aggregate classification (germline): Uncertain significance (1 of 4 stars; one submission).

Submission:

Labcorp Genetics (formerly Invitae), Labcorp
Classification: Uncertain significance. Last evaluated: 2021-03-07. Review status: criteria provided, single submitter. Criteria: Invitae Variant Classification Sherloc (09022015). Collection method: clinical testing. Allele origin: germline.
Comment: This sequence change falls in intron 8 of the CEP250 gene. It does not directly change the encoded amino acid sequence of the CEP250 protein. It affects a nucleotide within the consensus splice site of the intron. In summary, the available evidence is currently insufficient to determine the role of this variant in disease. Therefore, it has been classified as a Variant of Uncertain Significance. Nucleotide substitutions within the consensus splice site are a relatively common cause of aberrant splicing (PMID: 17576681, 9536098). This variant has not been reported in the literature in individuals with CEP250-related conditions. This variant is not present in population databases (ExAC no frequency).

Literature cited by the submitters: PubMed 17576681; PubMed 9536098.